The following is an entry in ClinVar:

NM_147127.5(EVC2):c.116G>A (p.Trp39Ter)

Gene: EVC2 (EvC ciliary complex subunit 2; minus strand). Cytogenetic location: 4p16.2.
Variant type: single nucleotide variant.
Coding change: c.116G>A on transcript NM_147127.5 (MANE Select); coding-DNA position 116, G replaced by A.
Protein change: p.Trp39Ter; replaces tryptophan 39 with a stop codon.
Molecular consequence: nonsense. On other transcripts: intron variant (1).
Genome position (GRCh38, 1-based): chr4:5,708,398, C>T on the plus strand (G>A on the coding strand, the complement: EVC2 is on the minus strand). VCF-style: chr4-5708398-C-T. GRCh37 (hg19) VCF-style: chr4-5710125-C-T.
Other names: c.-13+431G>A (NM_001166136.2); short protein forms W39*.
Identifiers: ClinVar variation 1459938 (VCV001459938.7), dbSNP rs1345487794, ClinGen allele CA356154776.

ClinVar aggregate classification (germline): Pathogenic (1 of 4 stars; one submission).

Conditions:
Ellis-van Creveld syndrome (EVC). Also called: Chondroectodermal dysplasia; MESOECTODERMAL DYSPLASIA; EVC-Related Ellis-van Creveld Syndrome; EVC2-Related Ellis-van Creveld Syndrome. Identifiers: Orphanet 289, MedGen C0013903, MONDO:0009162, OMIM 225500.
Curry-Hall syndrome (WAD). Also called: WEYERS ACRODENTAL DYSOSTOSIS. Identifiers: Orphanet 952, MedGen C0457013, MONDO:0008673, OMIM 193530.

Allele frequency attached by ClinVar (database versions not stated): TOPMed 0.00001.

Submission:

Labcorp Genetics (formerly Invitae), Labcorp
Classification: Pathogenic for Curry-Hall syndrome; Ellis-van Creveld syndrome. Last evaluated: 2026-01-11. Review status: criteria provided, single submitter. Criteria: Invitae Variant Classification Sherloc (09022015). Collection method: clinical testing. Allele origin: germline.
Comment: This sequence change creates a premature translational stop signal (p.Trp39*) in the EVC2 gene. It is expected to result in an absent or disrupted protein product. Loss-of-function variants in EVC2 are known to be pathogenic (PMID: 17024374, 19810119, 19876929). This variant is present in population databases (no rsID available, gnomAD 0.007%). This variant has not been reported in the literature in individuals affected with EVC2-related conditions. ClinVar contains an entry for this variant (Variation ID: 1459938). For these reasons, this variant has been classified as Pathogenic.

Literature cited by the submitters: PubMed 17024374; PubMed 19810119; PubMed 19876929.